The following is an entry in ClinVar:

NM_000179.3(MSH6):c.3997T>A (p.Phe1333Ile)

Gene: MSH6 (mutS homolog 6; plus strand). Cytogenetic location: 2p16.3.
Variant type: single nucleotide variant.
Coding change: c.3997T>A on transcript NM_000179.3 (MANE Select); coding-DNA position 3997, T replaced by A.
Protein change: p.Phe1333Ile; replaces phenylalanine 1333 with isoleucine.
Molecular consequence: missense variant. On other transcripts: 3 prime UTR variant (1), non-coding transcript variant (5), intron variant (1).
Genome position (GRCh38, 1-based): chr2:47,806,647, T>A. VCF-style: chr2-47806647-T-A. GRCh37 (hg19) VCF-style: chr2-48033786-T-A.
Other names: c.3607T>A, p.Phe1203Ile (NM_001281492.2); c.3091T>A, p.Phe1031Ile (NM_001281493.2, NM_001281494.2, NM_001406811.1 and 6 more transcripts); c.4093T>A, p.Phe1365Ile (NM_001406795.1); c.3997T>A, p.Phe1333Ile (NM_001406796.1, NM_001406808.1, NM_001406809.1); c.3700T>A, p.Phe1234Ile (NM_001406797.1, NM_001406801.1, NM_001406805.1 and 10 more transcripts); c.3823T>A, p.Phe1275Ile (NM_001406798.1); c.3472T>A, p.Phe1158Ile (NM_001406799.1, NM_001406806.1, NM_001406807.1); c.*18T>A (NM_001406800.1); and 9 more; short protein forms F1031I, F1158I, F1203I, F1234I, F1275I, F260I, F1277I, F1335I.
Identifiers: ClinVar variation 4658141 (VCV004658141.1).

ClinVar aggregate classification (germline): Uncertain significance (1 of 4 stars; one submission).

Conditions:
Hereditary cancer-predisposing syndrome. Also called: Neoplastic Syndromes, Hereditary; Tumor predisposition; Hereditary Cancer Syndrome; Hereditary neoplastic syndrome. Identifiers: Orphanet 140162, MedGen C0027672, MeSH D009386, MONDO:0015356.

Submission:

Ambry Genetics
Classification: Uncertain significance for Hereditary cancer-predisposing syndrome. Last evaluated: 2025-11-16. Review status: criteria provided, single submitter. Criteria: Ambry Variant Classification Scheme 2023. Collection method: clinical testing. Allele origin: germline.
Comment: The p.F1333I variant (also known as c.3997T>A), located in coding exon 9 of the MSH6 gene, results from a T to A substitution at nucleotide position 3997. The phenylalanine at codon 1333 is replaced by isoleucine, an amino acid with highly similar properties. This amino acid position is conserved. In addition, this alteration is predicted to be deleterious by in silico analysis. Based on the available evidence, the clinical significance of this variant remains unclear.